The following is an entry in ClinVar:

ClinVar aggregate classification (germline): Benign. Review status: criteria provided, multiple submitters, no conflicts (2 of 4 stars). 7 submissions from 7 submitters: Benign (5). 2 of the submissions do not count toward it. Last evaluated 2025-11-17.

Conditions:
Townes syndrome (TBS). Also called: Townes-Brocks syndrome. Identifiers: Orphanet 857, MedGen C0265246, MeSH C536974, MONDO:0007142.

Allele frequency attached by ClinVar (database versions not stated): TOPMed 0.00012; gnomAD 0.00013; ExAC 0.00569; 1000 Genomes Project 30x 0.00906; 1000 Genomes Project 0.00978.
gnomAD v4.1: 3,854 of 1,613,968 alleles (0.24%); highest among the groups gnomAD compares: South Asian, 3.9%; 102 homozygotes.

Submissions (7):

Labcorp Genetics (formerly Invitae), Labcorp
Classification: Benign for Townes syndrome. Last evaluated: 2025-11-17. Review status: criteria provided, single submitter. Criteria: Invitae Variant Classification Sherloc (09022015). Collection method: clinical testing. Allele origin: germline.

GeneDx
Classification: Benign. Last evaluated: 2017-08-07. Review status: criteria provided, single submitter. Criteria: GeneDx Variant Classification (06012015). Collection method: clinical testing. Allele origin: germline. Affected: yes.
Comment: This variant is considered likely benign or benign based on one or more of the following criteria: it is a conservative change, it occurs at a poorly conserved position in the protein, it is predicted to be benign by multiple in silico algorithms, and/or has population frequency not consistent with disease.

Genetic Services Laboratory, University of Chicago
Classification: Benign. Last evaluated: 2017-06-09. Review status: criteria provided, single submitter. Criteria: ACMG Guidelines, 2015. Collection method: clinical testing. Allele origin: germline. Affected: no.

Eurofins Ntd Llc (ga)
Classification: Benign. Last evaluated: 2015-10-09. Review status: criteria provided, single submitter. Criteria: EGL Classification Definitions 2015. Collection method: clinical testing. Allele origin: germline. Observed: 1 variant allele, 1 heterozygote.

Breakthrough Genomics
Classification: Benign. Review status: criteria provided, single submitter. Criteria: ACMG Guidelines, 2015. Collection method: not provided. Allele origin: germline. Inheritance: Autosomal dominant inheritance. Affected: yes.

Genome Diagnostics Laboratory, University Medical Center Utrecht
Classification: Likely benign. Review status: no assertion criteria provided. Collection method: clinical testing. Allele origin: germline. Affected: yes. Study: VKGL Data-share Consensus. Not counted in ClinVar's aggregate classification.

Laboratory of Diagnostic Genome Analysis, Leiden University Medical Center (LUMC)
Classification: Likely benign. Review status: no assertion criteria provided. Collection method: clinical testing. Allele origin: germline. Affected: yes. Study: VKGL Data-share Consensus. Not counted in ClinVar's aggregate classification.

NM_002968.3(SALL1):c.235G>C (p.Ala79Pro)

Gene: SALL1 (spalt like transcription factor 1; minus strand). Cytogenetic location: 16q12.1.
Variant type: single nucleotide variant.
Coding change: c.235G>C on transcript NM_002968.3 (MANE Select); coding-DNA position 235, G replaced by C.
Protein change: p.Ala79Pro; replaces alanine 79 with proline.
Molecular consequence: missense variant. On other transcripts: 5 prime UTR variant (1).
Genome position (GRCh38, 1-based): chr16:51,141,987, C>G on the plus strand (G>C on the coding strand, the complement: SALL1 is on the minus strand). VCF-style: chr16-51141987-C-G. GRCh37 (hg19) VCF-style: chr16-51175898-C-G.
Other names: c.-57G>C (NM_001127892.2); short protein forms A79P.
Identifiers: ClinVar variation 283920 (VCV000283920.20), dbSNP rs536108231, ClinGen allele CA8053534.